The following is an entry in ClinVar:

ClinVar aggregate classification (germline): Uncertain significance (1 of 4 stars; one submission).

Conditions:
Autosomal recessive early-onset Parkinson disease 6 (PARK6). Also called: PINK1-Related Parkinson Disease; PARKINSON DISEASE 6, EARLY-ONSET; PINK1 Type of Young-Onset Parkinson Disease; PARKINSON DISEASE 6, MODIFIER OF. Identifiers: Orphanet 2828, MedGen C1853833, MONDO:0011613, OMIM 605909.

Allele frequency attached by ClinVar (database versions not stated): TOPMed below 0.00001; gnomAD 0.00001.

Submission:

Baylor Genetics
Classification: Uncertain significance for Autosomal recessive early-onset Parkinson disease 6. Last evaluated: 2019-11-04. Review status: criteria provided, single submitter. Criteria: ACMG Guidelines, 2015. Collection method: clinical testing. Allele origin: unknown. Affected: yes.
Comment: This variant was determined to be of uncertain significance according to ACMG Guidelines, 2015 [PMID:25741868].

NM_032409.3(PINK1):c.161C>A (p.Ala54Glu)

Genes: MIR6084 (microRNA 6084; plus strand), PINK1 (PTEN induced kinase 1; plus strand). Cytogenetic location: 1p36.12.
Variant type: single nucleotide variant.
Coding change: c.161C>A on transcript NM_032409.3 (MANE Select); coding-DNA position 161, C replaced by A.
Protein change: p.Ala54Glu; replaces alanine 54 with glutamic acid.
Molecular consequence: missense variant. On other transcripts: non-coding transcript variant (1).
Genome position (GRCh38, 1-based): chr1:20,633,709, C>A. VCF-style: chr1-20633709-C-A. GRCh37 (hg19) VCF-style: chr1-20960202-C-A.
Other names: short protein forms A54E.
Identifiers: ClinVar variation 1030969 (VCV001030969.1), dbSNP rs867771554, ClinGen allele CA18987784.